The following is an entry in ClinVar:

ClinVar aggregate classification (germline): Likely pathogenic. Review status: criteria provided, multiple submitters, no conflicts (2 of 4 stars). 2 submissions from 2 submitters: Likely pathogenic (2). Last evaluated 2025-03-13.

Conditions:
Miyoshi muscular dystrophy 1 (MMD1). Identifiers: Orphanet 45448, MedGen C4551973, MONDO:0024545, OMIM 254130.
Autosomal recessive limb-girdle muscular dystrophy type 2B (LGMDR2). Also called: MUSCULAR DYSTROPHY, LIMB-GIRDLE, AUTOSOMAL RECESSIVE 2; MUSCULAR DYSTROPHY, LIMB-GIRDLE, TYPE 3; Limb-girdle muscular dystrophy, type 2B; Limb-Girdle Muscular Dystrophy Type 2B (LGMD2B). Identifiers: Orphanet 268, MedGen C1850889, MONDO:0009676, OMIM 253601.

Submissions (2):

Natera, Inc.
Classification: Likely pathogenic for Limb-girdle muscular dystrophy type 2B. Last evaluated: 2025-03-13. Review status: criteria provided, single submitter. Criteria: Natera Variant Classification Schema (03/2026). Collection method: clinical testing. Allele origin: germline.
Comment: The c.5885delA variant in DYSF is a frameshift variant predicted to shift the reading frame beginning at codon 1962 and leads to a stop codon 4 codons downstream. This variant is expected to result in nonsense mediated decay, truncation, or a dysfunctional protein product. This variant is rare in the general population with a frequency below the threshold expected for the associated phenotype(s). Given the available evidence, this variant is classified as Likely Pathogenic.

Kariminejad - Najmabadi Pathology & Genetics Center
Classification: Likely pathogenic for Miyoshi muscular dystrophy 1; Autosomal recessive limb-girdle muscular dystrophy type 2B. Last evaluated: 2024-06-13. Review status: criteria provided, single submitter. Criteria: ACMG Guidelines, 2015. Collection method: clinical testing. Allele origin: germline. Inheritance: Autosomal recessive inheritance. Affected: yes.
Comment: PVS1,PM2

NM_001130987.2(DYSF):c.6002del (p.Gln2001fs)

Gene: DYSF (dysferlin; plus strand). Cytogenetic location: 2p13.2.
Variant type: Deletion.
Coding change: c.6002del on transcript NM_001130987.2 (MANE Select); coding-DNA position 6002, one base deleted (A; older notation c.6002delA).
Protein change: p.Gln2001fs; shifts the reading frame from glutamine 2001.
Molecular consequence: frameshift variant.
Genome position (GRCh38, 1-based): chr2:71,679,174, A deleted. VCF-style (leftmost placement, unchanged base first): chr2-71679173-CA-C. GRCh37 (hg19) VCF-style: chr2-71906303-CA-C.
Other names: c.5885delA (NM_003494.3); c.5888del, p.Gln1963fs (NM_001130455.2); c.5843del, p.Gln1948fs (NM_001130976.2); c.5906del, p.Gln1969fs (NM_001130977.2); c.5948del, p.Gln1983fs (NM_001130978.2); c.5978del, p.Gln1993fs (NM_001130979.2); c.5936del, p.Gln1979fs (NM_001130980.2); c.5999del, p.Gln2000fs (NM_001130981.2); and 6 more; short protein forms Q1948fs, Q1949fs, Q1962fs, Q1963fs, Q1969fs, Q1970fs, Q1979fs, Q1980fs.
Identifiers: ClinVar variation 3896856 (VCV003896856.2).
Genomic context (GRCh38, chr2:71,679,173, plus strand): 5'-TGCTCCTTGGACCAGCTGGATGATGCTTTCCACCCAGAATGGTTTGTGTCCCTTTTTGAG[CA>C]GAAAACAGTGAAGGGCTGGTGGCCCTGTGTAGCAGAAGAGGGTGAGAAGAAAATACTGGC-3'